The following is an entry in ClinVar:

ClinVar aggregate classification (germline): Uncertain significance (1 of 4 stars; one submission).

Conditions:
Developmental and epileptic encephalopathy, 23 (DEE23). Also called: Epileptic encephalopathy, early infantile, 23. Identifiers: Orphanet 411986, MedGen C4014492, MONDO:0014371, OMIM 615859.

gnomAD v4.1: 1 of 1,612,292 alleles (0.000062%); highest among the groups gnomAD compares: Non-Finnish European, 0.000085%; no homozygotes.

Submission:

Labcorp Genetics (formerly Invitae), Labcorp
Classification: Uncertain significance for Developmental and epileptic encephalopathy, 23. Last evaluated: 2020-12-18. Review status: criteria provided, single submitter. Criteria: Invitae Variant Classification Sherloc (09022015). Collection method: clinical testing. Allele origin: germline.
Comment: Algorithms developed to predict the effect of missense changes on protein structure and function are either unavailable or do not agree on the potential impact of this missense change (SIFT: "Deleterious"; PolyPhen-2: "Possibly Damaging"; Align-GVGD: "Class C0"). This variant has not been reported in the literature in individuals with DOCK7-related conditions. In summary, the available evidence is currently insufficient to determine the role of this variant in disease. Therefore, it has been classified as a Variant of Uncertain Significance. This sequence change replaces isoleucine with threonine at codon 1094 of the DOCK7 protein (p.Ile1094Thr). The isoleucine residue is highly conserved and there is a moderate physicochemical difference between isoleucine and threonine. This variant is not present in population databases (ExAC no frequency).

NM_001367561.1(DOCK7):c.3281T>C (p.Ile1094Thr)

Gene: DOCK7 (dedicator of cytokinesis 7; minus strand). Cytogenetic location: 1p31.3.
Variant type: single nucleotide variant.
Coding change: c.3281T>C on transcript NM_001367561.1 (MANE Select); coding-DNA position 3281, T replaced by C.
Protein change: p.Ile1094Thr; replaces isoleucine 1094 with threonine.
Molecular consequence: missense variant.
Genome position (GRCh38, 1-based): chr1:62,539,564, A>G on the plus strand (T>C on the coding strand, the complement: DOCK7 is on the minus strand). VCF-style: chr1-62539564-A-G. GRCh37 (hg19) VCF-style: chr1-63005235-A-G.
Other names: c.3281T>C, p.Ile1094Thr (NM_001271999.2, NM_001330614.2); c.3188T>C, p.Ile1063Thr (NM_001272000.2, NM_001272001.2, NM_033407.4); short protein forms I1063T, I1094T.
Identifiers: ClinVar variation 1461396 (VCV001461396.8), dbSNP rs2149393199, ClinGen allele CA340608434.
Genomic context (GRCh38, chr1:62,539,564, plus strand): 5'-TTAAATTATTTGATTACTAATTATTCCTAACTATGCATTACCTGTTTATAGCAGGACTTT[A>G]TAAGGCTAAAAACAAATCCTCTGTCCATAACAGACAACAGATCATTGAGAAAGAATGCAA-3'
Protein context (NP_001354490.1, residues 1084-1104): VMDRGFVFSL[Ile1094Thr]KSCYKQVSSK